The following is an entry in ClinVar:

NM_005458.8(GABBR2):c.1151G>A (p.Arg384Gln)

Gene: GABBR2 (gamma-aminobutyric acid type B receptor subunit 2; minus strand). Cytogenetic location: 9q22.33.
Variant type: single nucleotide variant.
Coding change: c.1151G>A on transcript NM_005458.8 (MANE Select); coding-DNA position 1151, G replaced by A.
Protein change: p.Arg384Gln; replaces arginine 384 with glutamine.
Molecular consequence: missense variant.
Genome position (GRCh38, 1-based): chr9:98,454,066, C>T on the plus strand (G>A on the coding strand, the complement: GABBR2 is on the minus strand). VCF-style: chr9-98454066-C-T. GRCh37 (hg19) VCF-style: chr9-101216348-C-T.
Other names: short protein forms R384Q.
Identifiers: ClinVar variation 1485808 (VCV001485808.6), dbSNP rs1184728895, ClinGen allele CA374350475.

ClinVar aggregate classification (germline): Uncertain significance (1 of 4 stars; one submission).

Conditions:
Epileptic encephalopathy. Identifiers: MedGen C0543888, HP:0200134.

gnomAD v4.1: 22 of 1,614,170 alleles (0.0014%); highest among the groups gnomAD compares: Middle Eastern, 0.016%; no homozygotes.

Submission:

Labcorp Genetics (formerly Invitae), Labcorp
Classification: Uncertain significance for Epileptic encephalopathy. Last evaluated: 2024-06-04. Review status: criteria provided, single submitter. Criteria: Invitae Variant Classification Sherloc (09022015). Collection method: clinical testing. Allele origin: germline.
Comment: This sequence change replaces arginine, which is basic and polar, with glutamine, which is neutral and polar, at codon 384 of the GABBR2 protein (p.Arg384Gln). This variant is present in population databases (no rsID available, gnomAD 0.0009%). This missense change has been observed in individual(s) with GABBR2-related conditions (PMID: 33057194, 35982159). ClinVar contains an entry for this variant (Variation ID: 1485808). Advanced modeling of protein sequence and biophysical properties (such as structural, functional, and spatial information, amino acid conservation, physicochemical variation, residue mobility, and thermodynamic stability) performed at Invitae indicates that this missense variant is not expected to disrupt GABBR2 protein function with a negative predictive value of 80%. In summary, the available evidence is currently insufficient to determine the role of this variant in disease. Therefore, it has been classified as a Variant of Uncertain Significance.

Literature cited by the submitters: PubMed 33057194; PubMed 35982159.